The following is an entry in ClinVar:

ClinVar aggregate classification (germline): Pathogenic/Likely pathogenic. Review status: criteria provided, multiple submitters, no conflicts (2 of 4 stars). 7 submissions from 7 submitters: Pathogenic (6); Likely pathogenic (1). Last evaluated 2025-06-20.

Conditions:
Inborn genetic diseases. Identifiers: MedGen C0950123, MeSH D030342.
Intellectual disability. Also called: Intellectual functioning disability; intellectual disabilities; Intellectual developmental disorder. Identifiers: MedGen C3714756, MeSH D008607, MONDO:0001071, HP:0001249.
Autism spectrum disorder. Also called: Autism spectrum disorders. Identifiers: MedGen C1510586, MeSH D000067877, MONDO:0005258.
Intellectual developmental disorder, autosomal dominant 1. Also called: MBD5 Haploinsufficiency; Intellectual disability, autosomal dominant 1. Identifiers: Orphanet 228402, MedGen C1969562, MONDO:0007974, OMIM 156200.

Allele frequency attached by ClinVar (database versions not stated): TOPMed below 0.00001.

Submissions (7):

Ambry Genetics
Classification: Pathogenic for Inborn genetic diseases. Last evaluated: 2025-06-20. Review status: criteria provided, single submitter. Criteria: Ambry Variant Classification Scheme 2023. Collection method: clinical testing. Allele origin: germline.
Comment: The c.973C>T (p.R325*) alteration, located in exon 9 (coding exon 4) of the MBD5 gene, consists of a C to T substitution at nucleotide position 973. This changes the amino acid from a Arginine (R) to a stop codon at amino acid position 325. This alteration is expected to result in loss of function by premature protein truncation or nonsense-mediated mRNA decay. This variant was not reported in population-based cohorts in the Genome Aggregation Database (gnomAD). This variant was reported in individual(s) with features consistent with MBD5-related neurodevelopmental disorder; in at least one individual, it was determined to be de novo (Zhou, 2022; Zhou, 2019; Ambry internal data). Based on the available evidence, this alteration is classified as pathogenic.

Labcorp Genetics (formerly Invitae), Labcorp
Classification: Pathogenic for Intellectual developmental disorder, autosomal dominant 1. Last evaluated: 2025-05-17. Review status: criteria provided, single submitter. Criteria: Invitae Variant Classification Sherloc (09022015). Collection method: clinical testing. Allele origin: germline.
Comment: This sequence change creates a premature translational stop signal (p.Arg325*) in the MBD5 gene. It is expected to result in an absent or disrupted protein product. Loss-of-function variants in MBD5 are known to be pathogenic (PMID: 23422940, 23587880). This variant is not present in population databases (gnomAD no frequency). This premature translational stop signal has been observed in individual(s) with MBD5-related conditions (PMID: 34459404). ClinVar contains an entry for this variant (Variation ID: 521004). For these reasons, this variant has been classified as Pathogenic.

GeneDx
Classification: Pathogenic. Last evaluated: 2023-09-20. Review status: criteria provided, single submitter. Criteria: GeneDx Variant Classification Process June 2021. Collection method: clinical testing. Allele origin: germline. Affected: yes.
Comment: Nonsense variant predicted to result in protein truncation or nonsense mediated decay in a gene for which loss of function is a known mechanism of disease; Not observed in large population cohorts (gnomAD); This variant is associated with the following publications: (PMID: 30763456, 34459404)

CeGaT Center for Human Genetics Tuebingen
Classification: Likely pathogenic. Last evaluated: 2022-11-01. Review status: criteria provided, single submitter. Criteria: CeGaT Center For Human Genetics Tuebingen Variant Classification Criteria Version 2. Collection method: clinical testing. Allele origin: germline. Affected: yes. Observed: 1 variant allele.
Comment: MBD5: PVS1:Strong, PM2

Diagnostic Laboratory, Strasbourg University Hospital
Classification: Pathogenic for Intellectual disability. Last evaluated: 2020-04-20. Review status: criteria provided, single submitter. Criteria: ACMG Guidelines, 2015. Collection method: clinical testing. Allele origin: de novo. Inheritance: Autosomal dominant inheritance. Affected: yes. Observed: 1 heterozygote.

Liping Wei Laboratory, Peking University
Classification: Pathogenic for Autism spectrum disorder. Last evaluated: 2018-08-01. Review status: criteria provided, single submitter. Criteria: Zhou et al. (Hum Mutat. 2019). Collection method: research. Allele origin: de novo. Affected: yes. Observed: 1 variant allele.

Clinical Genetics Service, Universitary Hospital 12 de Octubre
Classification: Pathogenic for Intellectual developmental disorder, autosomal dominant 1. Review status: criteria provided, single submitter. Criteria: ACMG Guidelines, 2015. Collection method: clinical testing. Allele origin: de novo. Affected: yes.

Literature cited by the submitters: PubMed 30763456 (cited by Ambry Genetics); PubMed 35982159 (cited by Ambry Genetics); PubMed 23422940 (cited by Labcorp Genetics (formerly Invitae), Labcorp); PubMed 23587880 (cited by Labcorp Genetics (formerly Invitae), Labcorp); PubMed 34459404 (cited by Labcorp Genetics (formerly Invitae), Labcorp).

NM_001378120.1(MBD5):c.973C>T (p.Arg325Ter)

Gene: MBD5 (methyl-CpG binding domain protein 5; plus strand). Cytogenetic location: 2q23.1.
Variant type: single nucleotide variant.
Coding change: c.973C>T on transcript NM_001378120.1 (MANE Select); coding-DNA position 973, C replaced by T.
Protein change: p.Arg325Ter; replaces arginine 325 with a stop codon.
Molecular consequence: nonsense.
Genome position (GRCh38, 1-based): chr2:148,468,916, C>T. VCF-style: chr2-148468916-C-T. GRCh37 (hg19) VCF-style: chr2-149226485-C-T.
Other names: c.973C>T, p.Arg325Ter (NM_018328.5); short protein forms R325*.
Identifiers: ClinVar variation 521004 (VCV000521004.42), dbSNP rs1553518509, ClinGen allele CA348718108.